The following is an entry in ClinVar:

ClinVar aggregate classification (germline): Uncertain significance (1 of 4 stars; one submission).

Submission:

GeneDx
Classification: Uncertain significance. Last evaluated: 2025-03-03. Review status: criteria provided, single submitter. Criteria: GeneDx Variant Classification Process June 2021. Collection method: clinical testing. Allele origin: germline. Affected: yes.
Comment: Not observed at significant frequency in large population cohorts (gnomAD); In silico analysis indicates that this missense variant does not alter protein structure/function; Has not been previously published as pathogenic or benign to our knowledge

NM_000489.6(ATRX):c.3191C>A (p.Ala1064Asp)

Gene: ATRX (ATRX chromatin remodeler; minus strand). Cytogenetic location: Xq21.1.
Variant type: single nucleotide variant.
Coding change: c.3191C>A on transcript NM_000489.6 (MANE Select); coding-DNA position 3191, C replaced by A.
Protein change: p.Ala1064Asp; replaces alanine 1064 with aspartic acid.
Molecular consequence: missense variant.
Genome position (GRCh38, 1-based): chrX:77,682,065, G>T on the plus strand (C>A on the coding strand, the complement: ATRX is on the minus strand). VCF-style: chrX-77682065-G-T. GRCh37 (hg19) VCF-style: chrX-76937557-G-T.
Other names: c.3077C>A, p.Ala1026Asp (NM_138270.5); short protein forms A1026D, A1064D.
Identifiers: ClinVar variation 4082765 (VCV004082765.1).